The following is an entry in ClinVar:

ClinVar aggregate classification (germline): Uncertain significance. Review status: criteria provided, multiple submitters, no conflicts (2 of 4 stars). 2 submissions from 2 submitters: Uncertain significance (2). Last evaluated 2025-10-18.

Conditions:
Inborn genetic diseases. Identifiers: MedGen C0950123, MeSH D030342.

Allele frequency attached by ClinVar (database versions not stated): gnomAD 0.00002 and 0.00003; TOPMed 0.00001; ExAC 0.00005.
gnomAD v4.1: 23 of 1,459,098 alleles (0.0016%); highest among the groups gnomAD compares: Middle Eastern, 0.019%; no homozygotes.

Submissions (2):

Ambry Genetics
Classification: Uncertain significance for Inborn genetic diseases. Last evaluated: 2025-10-18. Review status: criteria provided, single submitter. Criteria: Ambry Variant Classification Scheme 2023. Collection method: clinical testing. Allele origin: germline.

Labcorp Genetics (formerly Invitae), Labcorp
Classification: Uncertain significance. Last evaluated: 2022-10-24. Review status: criteria provided, single submitter. Criteria: Invitae Variant Classification Sherloc (09022015). Collection method: clinical testing. Allele origin: germline.
Comment: This sequence change replaces threonine, which is neutral and polar, with methionine, which is neutral and non-polar, at codon 504 of the MPDZ protein (p.Thr504Met). This variant is not present in population databases (gnomAD no frequency). This variant has not been reported in the literature in individuals affected with MPDZ-related conditions. ClinVar contains an entry for this variant (Variation ID: 1055006). Algorithms developed to predict the effect of missense changes on protein structure and function (SIFT, PolyPhen-2, Align-GVGD) all suggest that this variant is likely to be tolerated. In summary, the available evidence is currently insufficient to determine the role of this variant in disease. Therefore, it has been classified as a Variant of Uncertain Significance.

NM_001378778.1(MPDZ):c.1511C>T (p.Thr504Met)

Gene: MPDZ (multiple PDZ domain crumbs cell polarity complex component; minus strand). Cytogenetic location: 9p23.
Variant type: single nucleotide variant.
Coding change: c.1511C>T on transcript NM_001378778.1 (MANE Select); coding-DNA position 1511, C replaced by T.
Protein change: p.Thr504Met; replaces threonine 504 with methionine.
Molecular consequence: missense variant.
Genome position (GRCh38, 1-based): chr9:13,205,071, G>A on the plus strand (C>T on the coding strand, the complement: MPDZ is on the minus strand). VCF-style: chr9-13205071-G-A. GRCh37 (hg19) VCF-style: chr9-13205070-G-A.
Other names: c.1511C>T (NM_003829.3); c.1511C>T, p.Thr504Met (NM_001261406.2, NM_001261407.2, NM_001330637.2 and 14 more transcripts); short protein forms T504M.
Identifiers: ClinVar variation 1055006 (VCV001055006.6), dbSNP rs779853917, ClinGen allele CA4987758.